The following is an entry in ClinVar:

NM_002432.3(MNDA):c.446A>G (p.Asn149Ser)

Gene: MNDA (myeloid cell nuclear differentiation antigen; plus strand). Cytogenetic location: 1q23.1.
Variant type: single nucleotide variant.
Coding change: c.446A>G on transcript NM_002432.3 (MANE Select); coding-DNA position 446, A replaced by G.
Protein change: p.Asn149Ser; replaces asparagine 149 with serine.
Molecular consequence: missense variant.
Genome position (GRCh38, 1-based): chr1:158,843,998, A>G. VCF-style: chr1-158843998-A-G. GRCh37 (hg19) VCF-style: chr1-158813788-A-G.
Other names: short protein forms N149S.
Identifiers: ClinVar variation 3222192 (VCV003222192.1), dbSNP rs756248918, ClinGen allele CA1185598.

ClinVar aggregate classification (germline): Uncertain significance (1 of 4 stars; one submission).

Allele frequency attached by ClinVar (database versions not stated): ExAC 0.00001; gnomAD 0.00001; TOPMed 0.00001.

Submission:

Ambry Genetics
Classification: Uncertain significance. Last evaluated: 2023-12-22. Review status: criteria provided, single submitter. Criteria: Ambry Variant Classification Scheme 2023. Collection method: clinical testing. Allele origin: germline.
Comment: The p.N149S variant (also known as c.446A>G), located in coding exon 3 of the MNDA gene, results from an A to G substitution at nucleotide position 446. The asparagine at codon 149 is replaced by serine, an amino acid with highly similar properties. This amino acid position is conserved. In addition, this alteration is predicted to be tolerated by in silico analysis. Since supporting evidence is limited at this time, the clinical significance of this alteration remains unclear.